The following is an entry in ClinVar:

NM_024577.4(SH3TC2):c.2796T>C (p.Ser932=)

Gene: SH3TC2 (SH3 domain and tetratricopeptide repeats 2; minus strand). Cytogenetic location: 5q32.
Variant type: single nucleotide variant.
Coding change: c.2796T>C on transcript NM_024577.4 (MANE Select); coding-DNA position 2796, T replaced by C.
Protein change: p.Ser932=; no amino-acid change (serine 932 retained).
Molecular consequence: synonymous variant.
Genome position (GRCh38, 1-based): chr5:149,026,936, A>G on the plus strand (T>C on the coding strand, the complement: SH3TC2 is on the minus strand). VCF-style: chr5-149026936-A-G. GRCh37 (hg19) VCF-style: chr5-148406499-A-G.
Identifiers: ClinVar variation 5041090 (VCV005041090.1).

ClinVar aggregate classification (germline): Likely benign (1 of 4 stars; one submission).

gnomAD v4.1: 1 of 1,614,206 alleles (0.000062%); highest among the groups gnomAD compares: Non-Finnish European, 0.000085%; no homozygotes.

Submission:

CeGaT Center for Human Genetics Tuebingen
Classification: Likely benign. Last evaluated: 2026-09-01. Review status: criteria provided, single submitter. Criteria: CeGaT Center For Human Genetics Tuebingen Variant Classification Criteria Version 2. Collection method: clinical testing. Allele origin: germline. Affected: yes. Observed: 1 variant allele.
Comment: SH3TC2: BP4, BP7